The following is an entry in ClinVar:

NM_007272.3(CTRC):c.100G>C (p.Glu34Gln)

Gene: CTRC (chymotrypsin C; plus strand). Cytogenetic location: 1p36.21.
Variant type: single nucleotide variant.
Coding change: c.100G>C on transcript NM_007272.3 (MANE Select); coding-DNA position 100, G replaced by C.
Protein change: p.Glu34Gln; replaces glutamic acid 34 with glutamine.
Molecular consequence: missense variant.
Genome position (GRCh38, 1-based): chr1:15,440,359, G>C. VCF-style: chr1-15440359-G-C. GRCh37 (hg19) VCF-style: chr1-15766855-G-C.
Other names: short protein forms E34Q.
Identifiers: ClinVar variation 3498407 (VCV003498407.1).

ClinVar aggregate classification (germline): Uncertain significance (1 of 4 stars; one submission).

Conditions:
Hereditary pancreatitis (PCTT). Also called: Hereditary chronic pancreatitis; PRSS1-Related Hereditary Pancreatitis. Identifiers: Orphanet 676, MedGen C0238339, MONDO:0008185, OMIM 167800.

Submission:

Ambry Genetics
Classification: Uncertain significance for Hereditary pancreatitis. Last evaluated: 2024-10-18. Review status: criteria provided, single submitter. Criteria: Ambry Variant Classification Scheme 2023. Collection method: clinical testing. Allele origin: germline.
Comment: The p.E34Q variant (also known as c.100G>C), located in coding exon 2 of the CTRC gene, results from a G to C substitution at nucleotide position 100. The glutamic acid at codon 34 is replaced by glutamine, an amino acid with highly similar properties. This amino acid position is conserved. In addition, this alteration is predicted to be tolerated by in silico analysis. Based on the available evidence, the clinical significance of this variant remains unclear.